The following is an entry in ClinVar:

ClinVar aggregate classification (germline): Conflicting classifications of pathogenicity. Review status: criteria provided, conflicting classifications (1 of 4 stars). 3 submissions from 3 submitters: Uncertain significance (2); Likely benign (1). Last evaluated 2023-06-16.

Conditions:
Hereditary cancer-predisposing syndrome. Also called: Neoplastic Syndromes, Hereditary; Hereditary Cancer Syndrome; Tumor predisposition; Hereditary neoplastic syndrome. Identifiers: Orphanet 140162, MedGen C0027672, MeSH D009386, MONDO:0015356.
Hereditary breast ovarian cancer syndrome. Also called: Hereditary breast and ovarian cancer; Hereditary breast and ovarian cancer syndrome; Breast and ovarian cancer; BRCA1- and BRCA2-Associated Hereditary Breast and Ovarian Cancer; Hereditary breast and/or ovarian cancer syndrome; Hereditary breast and ovarian cancer syndrome (HBOC). Identifiers: Orphanet 145, MedGen C0677776, MeSH D061325, MONDO:0003582. Disease mechanism: loss of function.

Submissions (3):

Labcorp Genetics (formerly Invitae), Labcorp
Classification: Uncertain significance for Hereditary breast ovarian cancer syndrome. Last evaluated: 2023-06-16. Review status: criteria provided, single submitter. Criteria: Invitae Variant Classification Sherloc (09022015). Collection method: clinical testing. Allele origin: germline.
Comment: This variant has not been reported in the literature in individuals affected with BRCA2-related conditions. ClinVar contains an entry for this variant (Variation ID: 993177). Advanced modeling of protein sequence and biophysical properties (such as structural, functional, and spatial information, amino acid conservation, physicochemical variation, residue mobility, and thermodynamic stability) performed at Invitae indicates that this missense variant is not expected to disrupt BRCA2 protein function. This variant is not present in population databases (gnomAD no frequency). In summary, the available evidence is currently insufficient to determine the role of this variant in disease. Therefore, it has been classified as a Variant of Uncertain Significance. This sequence change replaces proline, which is neutral and non-polar, with serine, which is neutral and polar, at codon 2107 of the BRCA2 protein (p.Pro2107Ser).

University of Washington Department of Laboratory Medicine, University of Washington
Classification: Likely benign for Hereditary cancer-predisposing syndrome. Last evaluated: 2023-03-23. Review status: criteria provided, single submitter. Criteria: Dines et al. (Genet Med. 2020). Collection method: curation. Allele origin: germline.
Comment: Missense variant in a coldspot region where missense variants are very unlikely to be pathogenic (PMID:31911673).

BRCA2 exon 11 coldspot. Reclassification based on statistical prior probability.

Quest Diagnostics Nichols Institute San Juan Capistrano
Classification: Uncertain significance. Last evaluated: 2020-04-03. Review status: criteria provided, single submitter. Criteria: Quest Diagnostics criteria. Collection method: clinical testing. Allele origin: unknown.

NM_000059.4(BRCA2):c.6319C>T (p.Pro2107Ser)

Gene: BRCA2 (BRCA2 DNA repair associated; plus strand). Cytogenetic location: 13q13.1.
Variant type: single nucleotide variant.
Coding change: c.6319C>T on transcript NM_000059.4 (MANE Select); coding-DNA position 6319, C replaced by T.
Protein change: p.Pro2107Ser; replaces proline 2107 with serine.
Molecular consequence: missense variant.
Genome position (GRCh38, 1-based): chr13:32,340,674, C>T. VCF-style: chr13-32340674-C-T. GRCh37 (hg19) VCF-style: chr13-32914811-C-T.
Other names: short protein forms P2107S.
Identifiers: ClinVar variation 993177 (VCV000993177.11), dbSNP rs1593908231, ClinGen allele CA387789062.